The following is an entry in ClinVar:

ClinVar aggregate classification (germline): Uncertain significance (1 of 4 stars; one submission).

Allele frequency attached by ClinVar (database versions not stated): ExAC 0.00024; gnomAD 0.00041; TOPMed 0.00054; ESP Exome Variant Server 0.00062; 1000 Genomes Project 0.00100; 1000 Genomes Project 30x 0.00109.
gnomAD v4.1: 269 of 1,614,156 alleles (0.017%); highest among the groups gnomAD compares: Middle Eastern, 0.15%; 2 homozygotes.

Submission:

Labcorp Genetics (formerly Invitae), Labcorp
Classification: Uncertain significance. Last evaluated: 2023-11-16. Review status: criteria provided, single submitter. Criteria: Invitae Variant Classification Sherloc (09022015). Collection method: clinical testing. Allele origin: germline.
Comment: This sequence change replaces phenylalanine, which is neutral and non-polar, with leucine, which is neutral and non-polar, at codon 372 of the KCNK18 protein (p.Phe372Leu). This variant is present in population databases (rs143365824, gnomAD 0.1%). This missense change has been observed in individual(s) with migraine with aura (PMID: 25324165). Algorithms developed to predict the effect of missense changes on protein structure and function output the following: SIFT: "Not Available"; PolyPhen-2: "Benign"; Align-GVGD: "Not Available". The leucine amino acid residue is found in multiple mammalian species, which suggests that this missense change does not adversely affect protein function. In summary, the available evidence is currently insufficient to determine the role of this variant in disease. Therefore, it has been classified as a Variant of Uncertain Significance.

Literature cited by the submitters: PubMed 25324165.

NM_181840.1(KCNK18):c.1114T>C (p.Phe372Leu)

Gene: KCNK18 (potassium two pore domain channel subfamily K member 18; plus strand). Cytogenetic location: 10q25.3.
Variant type: single nucleotide variant.
Coding change: c.1114T>C on transcript NM_181840.1 (MANE Select); coding-DNA position 1114, T replaced by C.
Protein change: p.Phe372Leu; replaces phenylalanine 372 with leucine.
Molecular consequence: missense variant.
Genome position (GRCh38, 1-based): chr10:117,210,258, T>C. VCF-style: chr10-117210258-T-C. GRCh37 (hg19) VCF-style: chr10-118969769-T-C.
Other names: short protein forms F372L.
Identifiers: ClinVar variation 2799972 (VCV002799972.1), dbSNP rs143365824, ClinGen allele CA5710133.